The following is an entry in ClinVar:

ClinVar aggregate classification (germline): Pathogenic (1 of 4 stars; one submission).

Conditions:
Glycogen storage disease, type II (IOPD). Also called: Glucosidase acid-1,4-alpha deficiency; POMPE DISEASE, INFANTILE-ONSET; GLYCOGEN STORAGE DISEASE II, INFANTILE-ONSET; ACID ALPHA-GLUCOSIDASE DEFICIENCY, INFANTILE-ONSET; GAA DEFICIENCY, INFANTILE-ONSET; ACID MALTASE DEFICIENCY, INFANTILE-ONSET. Identifiers: Orphanet 365, MedGen C0017921, MONDO:0009290, OMIM 232300.

Submission:

Labcorp Genetics (formerly Invitae), Labcorp
Classification: Pathogenic for Glycogen storage disease, type II. Last evaluated: 2021-03-24. Review status: criteria provided, single submitter. Criteria: Invitae Variant Classification Sherloc (09022015). Collection method: clinical testing. Allele origin: germline.
Comment: This sequence change creates a premature translational stop signal (p.Val220Glyfs*110) in the GAA gene. It is expected to result in an absent or disrupted protein product. Loss-of-function variants in GAA are known to be pathogenic (PMID: 18425781, 22252923). This variant is not present in population databases (ExAC no frequency). This variant has not been reported in the literature in individuals with GAA-related conditions. For these reasons, this variant has been classified as Pathogenic.

Literature cited by the submitters: PubMed 18425781; PubMed 22252923.

NM_000152.5(GAA):c.658dup (p.Val220fs)

Gene: GAA (alpha glucosidase; plus strand). Cytogenetic location: 17q25.3.
Variant type: Duplication.
Coding change: c.658dup on transcript NM_000152.5 (MANE Select); coding-DNA position 658, one base duplicated (G; older notation c.658dupG).
Protein change: p.Val220fs; shifts the reading frame from valine 220.
Molecular consequence: frameshift variant.
Genome position (GRCh38, 1-based): chr17:80,105,860, G duplicated; the last of 4 consecutive G bases (chr17:80,105,857-80,105,860); duplicating any one gives the same sequence. VCF-style (leftmost placement, unchanged base first): chr17-80105856-C-CG. GRCh37 (hg19) VCF-style: chr17-78079655-C-CG.
Other names: c.658dup, p.Val220fs (NM_001079803.3, NM_001079804.3); short protein forms V220fs.
Identifiers: ClinVar variation 1409499 (VCV001409499.6), dbSNP rs2143834640, ClinGen allele CA2573154934.